The following is an entry in ClinVar:

NM_145691.4(ATPAF2):c.280T>A (p.Trp94Arg)

Gene: ATPAF2 (ATP synthase mitochondrial F1 complex assembly factor 2; minus strand). Cytogenetic location: 17p11.2.
Variant type: single nucleotide variant.
Coding change: c.280T>A on transcript NM_145691.4 (MANE Select); coding-DNA position 280, T replaced by A.
Protein change: p.Trp94Arg; replaces tryptophan 94 with arginine.
Molecular consequence: missense variant.
Genome position (GRCh38, 1-based): chr17:18,028,276, A>T on the plus strand (T>A on the coding strand, the complement: ATPAF2 is on the minus strand). VCF-style: chr17-18028276-A-T. GRCh37 (hg19) VCF-style: chr17-17931590-A-T.
Other names: short protein forms W94R.
Identifiers: ClinVar variation 1995 (VCV000001995.1), dbSNP rs104894554, ClinGen allele CA214921.

ClinVar aggregate classification (germline): no classifications from unflagged records (0 of 4 stars; one submission).

Conditions:
Mitochondrial complex V (ATP synthase) deficiency, nuclear type 1. Also called: MITOCHONDRIAL COMPLEX V (ATP SYNTHASE) DEFICIENCY, ATPAF2 TYPE; Nuclear-Encoded ATPase Deficiency, ATPAF2-Related. Identifiers: Orphanet 254913, MedGen C3276276, MONDO:0011421, OMIM 604273.

Submission:

OMIM
Classification: Pathogenic for MITOCHONDRIAL COMPLEX V (ATP SYNTHASE) DEFICIENCY, NUCLEAR TYPE 1 (1 patient). Last evaluated: 2004-02-01. Review status: flagged submission. Collection method: literature only. Allele origin: germline.
ClinVar note: Reason: P/LP classification for a variant in a gene with insufficient evidence for a gene-disease relationship

Literature cited by the submitters: PubMed 14757859.